The following is an entry in ClinVar:

NM_170606.3(KMT2C):c.4993A>C (p.Lys1665Gln)

Gene: KMT2C (lysine methyltransferase 2C; minus strand). Cytogenetic location: 7q36.1.
Variant type: single nucleotide variant.
Coding change: c.4993A>C on transcript NM_170606.3 (MANE Select); coding-DNA position 4993, A replaced by C.
Protein change: p.Lys1665Gln; replaces lysine 1665 with glutamine.
Molecular consequence: missense variant.
Genome position (GRCh38, 1-based): chr7:152,187,277, T>G on the plus strand (A>C on the coding strand, the complement: KMT2C is on the minus strand). VCF-style: chr7-152187277-T-G. GRCh37 (hg19) VCF-style: chr7-151884362-T-G.
Other names: short protein forms K1665Q.
Identifiers: ClinVar variation 3600759 (VCV003600759.1).

ClinVar aggregate classification (germline): Uncertain significance (1 of 4 stars; one submission).

Submission:

GeneDx
Classification: Uncertain significance. Last evaluated: 2024-07-22. Review status: criteria provided, single submitter. Criteria: GeneDx Variant Classification Process June 2021. Collection method: clinical testing. Allele origin: germline. Affected: yes.
Comment: Not observed at significant frequency in large population cohorts (gnomAD); In silico analysis supports that this missense variant has a deleterious effect on protein structure/function; Has not been previously published as pathogenic or benign to our knowledge